The following is an entry in ClinVar:

NM_002667.5(PLN):c.38G>A (p.Arg13Lys)

Genes: CEP85L (centrosomal protein 85 like; minus strand), PLN (phospholamban; plus strand). Cytogenetic location: 6q22.31.
Variant type: single nucleotide variant.
Coding change: c.38G>A on transcript NM_002667.5 (MANE Select); coding-DNA position 38, G replaced by A.
Protein change: p.Arg13Lys; replaces arginine 13 with lysine.
Molecular consequence: missense variant. On other transcripts: intron variant (3).
Genome position (GRCh38, 1-based): chr6:118,558,959, G>A. VCF-style: chr6-118558959-G-A. GRCh37 (hg19) VCF-style: chr6-118880122-G-A.
Other names: c.1029+6570C>T (NM_001178035.2); c.1020+6570C>T (NM_001042475.3, NM_206921.3); short protein forms R13K.
Identifiers: ClinVar variation 1736005 (VCV001736005.2), dbSNP rs1322414081, ClinGen allele CA365546093.

ClinVar aggregate classification (germline): Uncertain significance (1 of 4 stars; one submission).

Conditions:
Cardiovascular phenotype. Identifiers: MedGen CN230736.

Allele frequency attached by ClinVar (database versions not stated): gnomAD exomes below 0.00001.
gnomAD v4.1: 2 of 1,613,744 alleles (0.00012%); highest among the groups gnomAD compares: Non-Finnish European, 0.00017%; no homozygotes.

Submission:

Ambry Genetics
Classification: Uncertain significance for Cardiovascular phenotype. Last evaluated: 2021-06-23. Review status: criteria provided, single submitter. Criteria: Ambry Variant Classification Scheme 2023. Collection method: clinical testing. Allele origin: germline.
Comment: The p.R13K variant (also known as c.38G>A), located in coding exon 1 of the PLN gene, results from a G to A substitution at nucleotide position 38. The arginine at codon 13 is replaced by lysine, an amino acid with highly similar properties. This amino acid position is conserved. In addition, this alteration is predicted to be deleterious by in silico analysis. Since supporting evidence is limited at this time, the clinical significance of this alteration remains unclear.